The following is an entry in ClinVar:

ClinVar aggregate classification (germline): Uncertain significance. Review status: criteria provided, multiple submitters, no conflicts (2 of 4 stars). 2 submissions from 2 submitters: Uncertain significance (2). Last evaluated 2025-07-08.

Conditions:
Inborn genetic diseases. Identifiers: MedGen C0950123, MeSH D030342.

Allele frequency attached by ClinVar (database versions not stated): ExAC 0.00001; gnomAD exomes 0.00001; gnomAD 0.00003; TOPMed 0.00005.
gnomAD v4.1: 24 of 1,614,006 alleles (0.0015%); highest among the groups gnomAD compares: Non-Finnish European, 0.002%; no homozygotes.

Submissions (2):

Ambry Genetics
Classification: Uncertain significance for Inborn genetic diseases. Last evaluated: 2025-07-08. Review status: criteria provided, single submitter. Criteria: Ambry Variant Classification Scheme 2023. Collection method: clinical testing. Allele origin: germline.

Labcorp Genetics (formerly Invitae), Labcorp
Classification: Uncertain significance. Last evaluated: 2022-09-27. Review status: criteria provided, single submitter. Criteria: Invitae Variant Classification Sherloc (09022015). Collection method: clinical testing. Allele origin: germline.
Comment: In summary, the available evidence is currently insufficient to determine the role of this variant in disease. Therefore, it has been classified as a Variant of Uncertain Significance. Advanced modeling of protein sequence and biophysical properties (such as structural, functional, and spatial information, amino acid conservation, physicochemical variation, residue mobility, and thermodynamic stability) performed at Invitae indicates that this missense variant is expected to disrupt YARS2 protein function. This variant has not been reported in the literature in individuals affected with YARS2-related conditions. This variant is present in population databases (rs778340802, gnomAD 0.003%). This sequence change replaces serine, which is neutral and polar, with cysteine, which is neutral and slightly polar, at codon 385 of the YARS2 protein (p.Ser385Cys).

NM_001040436.3(YARS2):c.1154C>G (p.Ser385Cys)

Gene: YARS2 (tyrosyl-tRNA synthetase 2; minus strand). Cytogenetic location: 12p11.21.
Variant type: single nucleotide variant.
Coding change: c.1154C>G on transcript NM_001040436.3 (MANE Select); coding-DNA position 1154, C replaced by G.
Protein change: p.Ser385Cys; replaces serine 385 with cysteine.
Molecular consequence: missense variant.
Genome position (GRCh38, 1-based): chr12:32,750,057, G>C on the plus strand (C>G on the coding strand, the complement: YARS2 is on the minus strand). VCF-style: chr12-32750057-G-C. GRCh37 (hg19) VCF-style: chr12-32902991-G-C.
Other names: c.1154C>G (NM_001040436.2); short protein forms S385C.
Identifiers: ClinVar variation 2163137 (VCV002163137.4), dbSNP rs778340802, ClinGen allele CA6507970.